The following is an entry in ClinVar:

NM_032620.4(GTPBP3):c.370G>A (p.Gly124Ser)

Gene: GTPBP3 (GTP binding protein 3, mitochondrial; plus strand). Cytogenetic location: 19p13.11.
Variant type: single nucleotide variant.
Coding change: c.370G>A on transcript NM_032620.4 (MANE Select); coding-DNA position 370, G replaced by A.
Protein change: p.Gly124Ser; replaces glycine 124 with serine.
Molecular consequence: missense variant.
Genome position (GRCh38, 1-based): chr19:17,338,433, G>A. VCF-style: chr19-17338433-G-A. GRCh37 (hg19) VCF-style: chr19-17449242-G-A.
Other names: c.370G>A, p.Gly124Ser (NM_001128855.3, NM_133644.4); c.436G>A, p.Gly146Ser (NM_001195422.1); short protein forms G124S, G146S.
Identifiers: ClinVar variation 1401262 (VCV001401262.8), dbSNP rs549090990, ClinGen allele CA9293326.

ClinVar aggregate classification (germline): Uncertain significance (1 of 4 stars; one submission).

Allele frequency attached by ClinVar (database versions not stated): gnomAD 0.00001; gnomAD exomes 0.00001; TOPMed 0.00001; ExAC 0.00002; 1000 Genomes Project 0.00020; 1000 Genomes Project 30x 0.00031.
gnomAD v4.1: 9 of 1,614,064 alleles (0.00056%); highest among the groups gnomAD compares: African/African-American, 0.0013%; no homozygotes.

Submission:

Labcorp Genetics (formerly Invitae), Labcorp
Classification: Uncertain significance. Last evaluated: 2022-10-05. Review status: criteria provided, single submitter. Criteria: Invitae Variant Classification Sherloc (09022015). Collection method: clinical testing. Allele origin: germline.
Comment: Advanced modeling of protein sequence and biophysical properties (such as structural, functional, and spatial information, amino acid conservation, physicochemical variation, residue mobility, and thermodynamic stability) performed at Invitae indicates that this missense variant is not expected to disrupt GTPBP3 protein function. In summary, the available evidence is currently insufficient to determine the role of this variant in disease. Therefore, it has been classified as a Variant of Uncertain Significance. ClinVar contains an entry for this variant (Variation ID: 1401262). This variant has not been reported in the literature in individuals affected with GTPBP3-related conditions. This variant is present in population databases (rs549090990, gnomAD 0.007%). This sequence change replaces glycine, which is neutral and non-polar, with serine, which is neutral and polar, at codon 124 of the GTPBP3 protein (p.Gly124Ser).